The following is an entry in ClinVar:

ClinVar aggregate classification (germline): Uncertain significance (1 of 4 stars; one submission).

Allele frequency attached by ClinVar (database versions not stated): ExAC 0.00003; gnomAD exomes 0.00003 and 0.00008; gnomAD 0.00008 and 0.00009; TOPMed 0.00011.
gnomAD v4.1: 32 of 1,600,684 alleles (0.002%); highest among the groups gnomAD compares: Admixed American, 0.044%; no homozygotes.

Submission:

Labcorp Genetics (formerly Invitae), Labcorp
Classification: Uncertain significance. Last evaluated: 2024-02-24. Review status: criteria provided, single submitter. Criteria: Invitae Variant Classification Sherloc (09022015). Collection method: clinical testing. Allele origin: germline.
Comment: This sequence change falls in intron 12 of the TRIOBP gene. It does not directly change the encoded amino acid sequence of the TRIOBP protein. It affects a nucleotide within the consensus splice site. This variant is present in population databases (rs776157835, gnomAD 0.04%). This variant has not been reported in the literature in individuals affected with TRIOBP-related conditions. ClinVar contains an entry for this variant (Variation ID: 1381068). Variants that disrupt the consensus splice site are a relatively common cause of aberrant splicing (PMID: 17576681, 9536098). Algorithms developed to predict the effect of sequence changes on RNA splicing suggest that this variant is not likely to affect RNA splicing. In summary, the available evidence is currently insufficient to determine the role of this variant in disease. Therefore, it has been classified as a Variant of Uncertain Significance.

Literature cited by the submitters: PubMed 17576681; PubMed 9536098.

NM_001039141.3(TRIOBP):c.5379+6A>C

Genes: TRIOBP (TRIO and F-actin binding protein; plus strand), LOC126863144 (CDK7 strongly-dependent group 2 enhancer GRCh37_chr22:38147547-38148746; plus strand). Cytogenetic location: 22q13.1.
Variant type: single nucleotide variant.
Coding change: c.5379+6A>C on transcript NM_001039141.3 (MANE Select); 6 bases into the intron after coding-DNA position 5379, A replaced by C.
Molecular consequence: intron variant.
Genome position (GRCh38, 1-based): chr22:37,751,834, A>C. VCF-style: chr22-37751834-A-C. GRCh37 (hg19) VCF-style: chr22-38147841-A-C.
Other names: c.240+6A>C (NM_007032.5, NM_138632.2).
Identifiers: ClinVar variation 1381068 (VCV001381068.5), dbSNP rs776157835, ClinGen allele CA10224656.
Genomic context (GRCh38, chr22:37,751,834, plus strand): 5'-CGATCTGCTCAACTTCAAGAAGGGATGGATGTCGATCTTGGACGAGCCTGGAGAGGTAAG[A>C]GGACTGAGGCCGGAGGGGAGGAAGCTGGCTTGTGCTGCTGCTGGGCCCCTGGGCAGCCCA-3'